The following is an entry in ClinVar:

NM_018124.4(RFWD3):c.1117G>A (p.Glu373Lys)

Gene: RFWD3 (ring finger and WD repeat domain 3; minus strand). Cytogenetic location: 16q23.1.
Variant type: single nucleotide variant.
Coding change: c.1117G>A on transcript NM_018124.4 (MANE Select); coding-DNA position 1117, G replaced by A.
Protein change: p.Glu373Lys; replaces glutamic acid 373 with lysine.
Molecular consequence: missense variant.
Genome position (GRCh38, 1-based): chr16:74,637,933, C>T on the plus strand (G>A on the coding strand, the complement: RFWD3 is on the minus strand). VCF-style: chr16-74637933-C-T. GRCh37 (hg19) VCF-style: chr16-74671831-C-T.
Other names: c.283G>A, p.Glu95Lys (NM_001370539.1, NM_001370540.1, NM_001370541.1 and 3 more transcripts); c.1117G>A, p.Glu373Lys (NM_001370534.1, NM_001370535.1, NM_001370536.1); short protein forms E95K, E373K.
Identifiers: ClinVar variation 2876375 (VCV002876375.3), dbSNP rs141439715, ClinGen allele CA8169312.

ClinVar aggregate classification (germline): Uncertain significance (1 of 4 stars; one submission).

Allele frequency attached by ClinVar (database versions not stated): gnomAD exomes below 0.00001; gnomAD 0.00001; ExAC 0.00001.
gnomAD v4.1: 7 of 1,612,066 alleles (0.00043%); highest among the groups gnomAD compares: East Asian, 0.0022%; no homozygotes.

Submission:

Labcorp Genetics (formerly Invitae), Labcorp
Classification: Uncertain significance. Last evaluated: 2025-06-04. Review status: criteria provided, single submitter. Criteria: Invitae Variant Classification Sherloc (09022015). Collection method: clinical testing. Allele origin: germline.
Comment: This sequence change replaces glutamic acid, which is acidic and polar, with lysine, which is basic and polar, at codon 373 of the RFWD3 protein (p.Glu373Lys). This variant is present in population databases (rs141439715, gnomAD 0.002%). This variant has not been reported in the literature in individuals affected with RFWD3-related conditions. ClinVar contains an entry for this variant (Variation ID: 2876375). An algorithm developed to predict the effect of missense changes on protein structure and function (PolyPhen-2) suggests that this variant is likely to be tolerated. In summary, the available evidence is currently insufficient to determine the role of this variant in disease. Therefore, it has been classified as a Variant of Uncertain Significance.